The following is an entry in ClinVar:

ClinVar aggregate classification (germline): Pathogenic/Likely pathogenic. Review status: criteria provided, multiple submitters, no conflicts (2 of 4 stars). 10 submissions from 10 submitters: Pathogenic (8); Likely pathogenic (1). 1 of the submissions does not count toward it. Last evaluated 2026-03-19.

Conditions:
Retinitis pigmentosa (RP). Identifiers: Orphanet 791, MedGen C0035334, MeSH D012174, MONDO:0019200, OMIM 268000. Inheritance: Autosomal dominant, autosomal recessive and X linked inheritance.
Usher syndrome type 2A. Also called: RETINAL DISEASE IN USHER SYNDROME TYPE IIA, MODIFIER OF; USHER SYNDROME, TYPE IIA. Identifiers: Orphanet 231178, Orphanet 886, MedGen C1848634, MONDO:0010169, OMIM 276901.
USH2A-related disorder. Also called: USH2A-related condition; USH2A-related disorders. Identifiers: MedGen CN239332.
Retinal dystrophy. Also called: Inherited retinal dystrophy. Identifiers: Orphanet 71862, MedGen C0854723, MeSH D058499, MONDO:0019118, HP:0000556.
Usher syndrome. Also called: Usher Syndromes; Usher's syndrome. Identifiers: Orphanet 886, MedGen CN469326, MeSH D052245, MONDO:0019501. Disease mechanism: loss of function.
Retinitis pigmentosa 39 (RP39). Identifiers: Orphanet 791, MedGen C3151138, MONDO:0013436, OMIM 613809.

Allele frequency attached by ClinVar (database versions not stated): gnomAD exomes below 0.00001 and 0.00001; TOPMed below 0.00001; ExAC 0.00002.
gnomAD v4.1: 6 of 1,607,390 alleles (0.00037%); highest among the groups gnomAD compares: Non-Finnish European, 0.00051%; no homozygotes.

Submissions (11):

Women's Health and Genetics/Laboratory Corporation of America, LabCorp
Classification: Pathogenic for Usher syndrome. Last evaluated: 2026-03-19. Review status: criteria provided, single submitter. Criteria: LabCorp Variant Classification Summary - May 2015. Collection method: clinical testing. Allele origin: germline.
Comment: Variant summary: USH2A c.9056-2A>G is located in a canonical splice-site and is predicted to affect mRNA splicing resulting in a significantly altered protein due to either exon skipping, shortening, or inclusion of intronic material. Variants that disrupt the consensus splice site are a relatively common cause of aberrant splicing and loss of USH2A function. Several computational tools predict a significant impact on normal splicing: Five predict the variant abolishes a 3' acceptor site. At least one publication reports experimental evidence that this variant affects mRNA splicing, resulting in an in-frame deletion of 51 amino acids from exon 46 (Lenassi_2015). The variant allele was found at a frequency of 1.2e-05 in 243400 control chromosomes. c.9056-2A>G has been observed in at least one compound heterozygous individual affected with a USH2A-related condition (e.g. Lenassi_2015). The following publication has been ascertained in the context of this evaluation (PMID: 25649381). ClinVar contains an entry for this variant (Variation ID: 636128). Based on the evidence outlined above, the variant was classified as pathogenic.

Natera, Inc.
Classification: Pathogenic for Usher syndrome type 2A. Last evaluated: 2025-01-12. Review status: criteria provided, single submitter. Criteria: Natera Variant Classification Schema (03/2026). Collection method: clinical testing. Allele origin: germline.
Comment: The c.9056-2A>G variant in USH2A is a canonical splice acceptor site variant predicted to affect pre-mRNA splicing, which may result in an abnormal transcript and altered protein product. This variant is expected to result in nonsense mediated decay, truncation, or a dysfunctional protein product. This variant is rare in the general population with a frequency below the threshold expected for the associated phenotype(s). This variant has been observed in one or more individuals affected with the associated recessive disease, as either homozygous or compound heterozygous with a second variant (PMID: 30718709). Given the available evidence, this variant is classified as Pathogenic.

Labcorp Genetics (formerly Invitae), Labcorp
Classification: Pathogenic. Last evaluated: 2024-07-15. Review status: criteria provided, single submitter. Criteria: Invitae Variant Classification Sherloc (09022015). Collection method: clinical testing. Allele origin: germline.
Comment: This sequence change affects an acceptor splice site in intron 45 of the USH2A gene. RNA analysis indicates that disruption of this splice site induces altered splicing and likely results in the loss of 51 amino acid residue(s), but is expected to preserve the integrity of the reading-frame. This variant is present in population databases (rs754970095, gnomAD 0.003%). Disruption of this splice site has been observed in individual(s) with USH2A-related conditions (PMID: 25649381, 30718709). ClinVar contains an entry for this variant (Variation ID: 636128). Studies have shown that disruption of this splice site results in the activation of a cryptic splice site in exon 46 (PMID: 25649381). For these reasons, this variant has been classified as Pathogenic.

Baylor Genetics
Classification: Pathogenic for Retinitis pigmentosa 39. Last evaluated: 2024-02-08. Review status: criteria provided, single submitter. Criteria: ACMG Guidelines, 2015. Collection method: clinical testing. Allele origin: unknown.

Genome-Nilou Lab
Classification: Pathogenic for Usher syndrome type 2A. Last evaluated: 2023-04-11. Review status: criteria provided, single submitter. Criteria: ACMG Guidelines, 2015. Collection method: clinical testing. Allele origin: germline. Affected: no.

Institute of Human Genetics, Univ. Regensburg, Univ. Regensburg
Classification: Pathogenic for Retinal dystrophy. Last evaluated: 2022-01-01. Review status: criteria provided, single submitter. Criteria: ACMG Guidelines, 2015. Collection method: clinical testing. Allele origin: germline. Affected: yes.

Institute of Medical Genetics and Applied Genomics, University Hospital Tübingen
Classification: Pathogenic. Last evaluated: 2020-10-23. Review status: criteria provided, single submitter. Criteria: ACMG Guidelines, 2015. Collection method: clinical testing. Allele origin: germline. Inheritance: Unknown mechanism. Affected: yes.

Blueprint Genetics
Classification: Likely pathogenic for USH2A-related disorders. Last evaluated: 2018-08-14. Review status: criteria provided, single submitter. Criteria: ACMG Guidelines, 2015. Collection method: clinical testing. Allele origin: germline. Affected: yes. Observed: 2 variant alleles.

CeGaT Center for Human Genetics Tuebingen
Classification: Pathogenic. Last evaluated: 2017-09-01. Review status: criteria provided, single submitter. Criteria: CeGaT Center For Human Genetics Tuebingen Variant Classification Criteria Version 2. Collection method: clinical testing. Allele origin: germline. Affected: yes. Observed: 1 variant allele.

Department of Clinical Genetics, Copenhagen University Hospital, Rigshospitalet
Classification: Pathogenic for Retinitis pigmentosa. Last evaluated: 2018-04-01. Review status: no assertion criteria provided. Collection method: research. Allele origin: unknown. Affected: yes. Study: VeluxRD. Not counted in ClinVar's aggregate classification.

Dr. Peter K. Rogan Lab, Western University
No classification provided (evidence only). Condition: Gastric cancer. Review status: no classification provided. Collection method: in vitro. Allele origin: not applicable. Functional consequence: retained intron. Not counted in ClinVar's aggregate classification.

Literature cited by the submitters: PubMed 25649381 (cited by 3 submitters); PubMed 30718709 (cited by 3 submitters); PubMed 31964843 (cited by Institute of Human Genetics, Univ. Regensburg, Univ. Regensburg); PubMed 32531858 (cited by Institute of Human Genetics, Univ. Regensburg, Univ. Regensburg); PubMed 32037395 (cited by Institute of Human Genetics, Univ. Regensburg, Univ. Regensburg).

NM_206933.4(USH2A):c.9056-2A>G

Gene: USH2A (usherin; minus strand). Cytogenetic location: 1q41.
Variant type: single nucleotide variant.
Coding change: c.9056-2A>G on transcript NM_206933.4 (MANE Select); the canonical splice acceptor site of the intron before coding-DNA position 9056, A replaced by G.
Molecular consequence: splice acceptor variant.
Genome position (GRCh38, 1-based): chr1:215,844,498, T>C on the plus strand (A>G on the coding strand, the complement: USH2A is on the minus strand). VCF-style: chr1-215844498-T-C. GRCh37 (hg19) VCF-style: chr1-216017840-T-C.
Identifiers: ClinVar variation 636128 (VCV000636128.58), dbSNP rs754970095, ClinGen allele CA1394412.